The following is an entry in ClinVar:

NM_145207.3(AFG2A):c.2141G>A (p.Arg714Gln)

Gene: AFG2A (AFG2 AAA ATPase homolog A; plus strand). Cytogenetic location: 4q28.1.
Variant type: single nucleotide variant.
Coding change: c.2141G>A on transcript NM_145207.3 (MANE Select); coding-DNA position 2141, G replaced by A.
Protein change: p.Arg714Gln; replaces arginine 714 with glutamine.
Molecular consequence: missense variant.
Genome position (GRCh38, 1-based): chr4:123,057,216, G>A. VCF-style: chr4-123057216-G-A. GRCh37 (hg19) VCF-style: chr4-123978371-G-A.
Other names: c.2138G>A, p.Arg713Gln (NM_001345856.2); short protein forms R714Q, R713Q.
Identifiers: ClinVar variation 1046450 (VCV001046450.3), dbSNP rs757368104, ClinGen allele CA3070659.

ClinVar aggregate classification (germline): Uncertain significance (1 of 4 stars; one submission).

Conditions:
Microcephaly-intellectual disability-sensorineural hearing loss-epilepsy-abnormal muscle tone syndrome (NEDHSB). Also called: NEURODEVELOPMENTAL DISORDER WITH HEARING LOSS, SEIZURES, AND BRAIN ABNORMALITIES. Identifiers: Orphanet 457351, MedGen C4225276, MONDO:0014698, OMIM 616577.

Allele frequency attached by ClinVar (database versions not stated): gnomAD 0.00001; gnomAD exomes 0.00001 and 0.00002; ExAC 0.00002; TOPMed 0.00003.
gnomAD v4.1: 23 of 1,613,672 alleles (0.0014%); highest among the groups gnomAD compares: Middle Eastern, 0.016%; no homozygotes.

Submission:

Labcorp Genetics (formerly Invitae), Labcorp
Classification: Uncertain significance for Microcephaly-intellectual disability-sensorineural hearing loss-epilepsy-abnormal muscle tone syndrome. Last evaluated: 2024-10-16. Review status: criteria provided, single submitter. Criteria: Invitae Variant Classification Sherloc (09022015). Collection method: clinical testing. Allele origin: germline.
Comment: This sequence change replaces arginine, which is basic and polar, with glutamine, which is neutral and polar, at codon 714 of the SPATA5 protein (p.Arg714Gln). This variant is present in population databases (rs757368104, gnomAD 0.004%). This variant has not been reported in the literature in individuals affected with SPATA5-related conditions. ClinVar contains an entry for this variant (Variation ID: 1046450). Invitae Evidence Modeling of protein sequence and biophysical properties (such as structural, functional, and spatial information, amino acid conservation, physicochemical variation, residue mobility, and thermodynamic stability) has been performed for this missense variant. However, the output from this modeling did not meet the statistical confidence thresholds required to predict the impact of this variant on SPATA5 protein function. In summary, the available evidence is currently insufficient to determine the role of this variant in disease. Therefore, it has been classified as a Variant of Uncertain Significance.